The following is an entry in ClinVar:

ClinVar aggregate classification (germline): Likely pathogenic. Review status: criteria provided, multiple submitters, no conflicts (2 of 4 stars). 2 submissions from 2 submitters: Likely pathogenic (2). Last evaluated 2025-05-11.

Conditions:
Johanson-Blizzard syndrome (JBS). Also called: Nasal alar hypoplasia, hypothyroidism, pancreatic achylia and congenital deafness. Identifiers: Orphanet 2315, MedGen C0175692, MONDO:0009479, OMIM 243800.

Allele frequency attached by ClinVar (database versions not stated): gnomAD 0.00001; gnomAD exomes 0.00001.

Submissions (2):

Variantyx, Inc.
Classification: Likely pathogenic for Johanson-Blizzard syndrome. Last evaluated: 2025-05-11. Review status: criteria provided, single submitter. Criteria: Variantyx Assertion Criteria 2022. Collection method: clinical testing. Allele origin: germline. Inheritance: Autosomal recessive inheritance. Affected: no.
Comment: This is an intronic variant in the UBR1 gene (OMIM: 605981). Pathogenic variants in this gene have been associated with autosomal recessive Johanson-Blizzard syndrome. This splicing variant is expected to result in loss of function, which is a known disease mechanism for UBR1 in this disorder (PMID: 19058315) (PVS1). It has a 0.0013% maximum allele frequency in non-founder control populations (PM2). Algorithms that predict the potential impact of sequence variants on RNA splicing suggest that this variant may disrupt normal splicing. Based on the current evidence, this variant is classified as likely pathogenic for autosomal recessive Johanson-Blizzard syndrome.

Labcorp Genetics (formerly Invitae), Labcorp
Classification: Likely pathogenic. Last evaluated: 2023-09-10. Review status: criteria provided, single submitter. Criteria: Invitae Variant Classification Sherloc (09022015). Collection method: clinical testing. Allele origin: germline.
Comment: In summary, the currently available evidence indicates that the variant is pathogenic, but additional data are needed to prove that conclusively. Therefore, this variant has been classified as Likely Pathogenic. Variants that disrupt the consensus splice site are a relatively common cause of aberrant splicing (PMID: 17576681, 9536098). Studies have shown that this variant is associated with altered splicing resulting in unknown protein product impact (PMID: 19058315). This variant has been observed in individual(s) with Johanson-Blizzard syndrome (PMID: 19058315). This variant is not present in population databases (gnomAD no frequency). This sequence change falls in intron 1 of the UBR1 gene. It does not directly change the encoded amino acid sequence of the UBR1 protein. It affects a nucleotide within the consensus splice site.

Literature cited by the submitters: PubMed 19058315 (cited by Variantyx, Inc. and Labcorp Genetics (formerly Invitae), Labcorp); PubMed 17576681 (cited by Labcorp Genetics (formerly Invitae), Labcorp); PubMed 9536098 (cited by Labcorp Genetics (formerly Invitae), Labcorp).

NM_174916.3(UBR1):c.81+5G>C

Genes: UBR1 (ubiquitin protein ligase E3 component n-recognin 1; minus strand), LOC130056936 (ATAC-STARR-seq lymphoblastoid active region 9309; plus strand). Cytogenetic location: 15q15.2.
Variant type: single nucleotide variant.
Coding change: c.81+5G>C on transcript NM_174916.3 (MANE Select); 5 bases into the intron after coding-DNA position 81, G replaced by C.
Molecular consequence: intron variant.
Genome position (GRCh38, 1-based): chr15:43,105,937, C>G on the plus strand (G>C on the coding strand, the complement: UBR1 is on the minus strand). VCF-style: chr15-43105937-C-G. GRCh37 (hg19) VCF-style: chr15-43398135-C-G.
Identifiers: ClinVar variation 2736188 (VCV002736188.3), dbSNP rs2034292112, ClinGen allele CA912980526.